The following is an entry in ClinVar:

NM_015338.6(ASXL1):c.358A>G (p.Ser120Gly)

Gene: ASXL1 (ASXL transcriptional regulator 1; plus strand). Cytogenetic location: 20q11.21.
Variant type: single nucleotide variant.
Coding change: c.358A>G on transcript NM_015338.6 (MANE Select); coding-DNA position 358, A replaced by G.
Protein change: p.Ser120Gly; replaces serine 120 with glycine.
Molecular consequence: missense variant.
Genome position (GRCh38, 1-based): chr20:32,428,233, A>G. VCF-style: chr20-32428233-A-G. GRCh37 (hg19) VCF-style: chr20-31016036-A-G.
Other names: c.328A>G, p.Ser110Gly (NM_001363734.1); short protein forms S110G, S120G.
Identifiers: ClinVar variation 4865103 (VCV004865103.1).

ClinVar aggregate classification (germline): Uncertain significance (1 of 4 stars; one submission).

Conditions:
Inborn genetic diseases. Identifiers: MedGen C0950123, MeSH D030342.

Submission:

Ambry Genetics
Classification: Uncertain significance for Inborn genetic diseases. Last evaluated: 2026-06-13. Review status: criteria provided, single submitter. Criteria: Ambry Variant Classification Scheme 2023. Collection method: clinical testing. Allele origin: germline.
Comment: The p.S120G variant (also known as c.358A>G), located in coding exon 5 of the ASXL1 gene, results from an A to G substitution at nucleotide position 358. The serine at codon 120 is replaced by glycine, an amino acid with similar properties. This amino acid position is conserved. In addition, this alteration is predicted to be tolerated by in silico analysis. Based on the available evidence, the clinical significance of this variant remains unclear.